The following is an entry in ClinVar:

NM_024426.6(WT1):c.813G>A (p.Pro271=)

Gene: WT1 (WT1 transcription factor; minus strand). Cytogenetic location: 11p13.
Variant type: single nucleotide variant.
Coding change: c.813G>A on transcript NM_024426.6 (MANE Select); coding-DNA position 813, G replaced by A.
Protein change: p.Pro271=; no amino-acid change (proline 271 retained).
Molecular consequence: synonymous variant. On other transcripts: non-coding transcript variant (2).
Genome position (GRCh38, 1-based): chr11:32,428,030, C>T on the plus strand (G>A on the coding strand, the complement: WT1 is on the minus strand). VCF-style: chr11-32428030-C-T. GRCh37 (hg19) VCF-style: chr11-32449576-C-T.
Other names: c.813G>A, p.Pro271= (NM_001407045.1, NM_001407046.1, NM_001407048.1 and 4 more transcripts); c.690G>A, p.Pro230= (NM_001407047.1, NM_001407050.1); c.51G>A, p.Pro17= (NM_001407051.1); c.594G>A, p.Pro198= (NM_001429031.1, NM_001429032.1, NM_001429033.1 and 1 more transcripts); c.162G>A, p.Pro54= (NM_001198551.2, NM_001198552.2).
Identifiers: ClinVar variation 4084806 (VCV004084806.8).

ClinVar aggregate classification (germline): Likely benign (1 of 4 stars; one submission).

Submission:

CeGaT Center for Human Genetics Tuebingen
Classification: Likely benign. Last evaluated: 2025-08-01. Review status: criteria provided, single submitter. Criteria: CeGaT Center For Human Genetics Tuebingen Variant Classification Criteria Version 2. Collection method: clinical testing. Allele origin: germline. Affected: yes. Observed: 1 variant allele.
Comment: WT1: PM2:Supporting, BP4, BP7